The following is an entry in ClinVar:

NM_000292.3(PHKA2):c.2864T>C (p.Leu955Pro)

Gene: PHKA2 (phosphorylase kinase regulatory subunit alpha 2; minus strand). Cytogenetic location: Xp22.13.
Variant type: single nucleotide variant.
Coding change: c.2864T>C on transcript NM_000292.3 (MANE Select); coding-DNA position 2864, T replaced by C.
Protein change: p.Leu955Pro; replaces leucine 955 with proline.
Molecular consequence: missense variant.
Genome position (GRCh38, 1-based): chrX:18,905,802, A>G on the plus strand (T>C on the coding strand, the complement: PHKA2 is on the minus strand). VCF-style: chrX-18905802-A-G. GRCh37 (hg19) VCF-style: chrX-18923920-A-G.
Other names: short protein forms L955P.
Identifiers: ClinVar variation 1056000 (VCV001056000.9), dbSNP rs2147851573, ClinGen allele CA412381923.

ClinVar aggregate classification (germline): Uncertain significance (1 of 4 stars; one submission).

Conditions:
Glycogen storage disease IXa1. Also called: Glycogen storage disease 8; LIVER GLYCOGENOSIS, X-LINKED, TYPE I; GLYCOGEN STORAGE DISEASE VIII; GSD VIII. Identifiers: Orphanet 264580, MedGen C3694531, MONDO:0010598, OMIM 306000.

Submission:

Labcorp Genetics (formerly Invitae), Labcorp
Classification: Uncertain significance for Glycogen storage disease IXa1. Last evaluated: 2020-05-20. Review status: criteria provided, single submitter. Criteria: Invitae Variant Classification Sherloc (09022015). Collection method: clinical testing. Allele origin: germline.
Comment: In summary, the available evidence is currently insufficient to determine the role of this variant in disease. Therefore, it has been classified as a Variant of Uncertain Significance. Algorithms developed to predict the effect of missense changes on protein structure and function (SIFT, PolyPhen-2, Align-GVGD) all suggest that this variant is likely to be disruptive, but these predictions have not been confirmed by published functional studies and their clinical significance is uncertain. This variant has not been reported in the literature in individuals with PHKA2-related conditions. This variant is not present in population databases (ExAC no frequency). This sequence change replaces leucine with proline at codon 955 of the PHKA2 protein (p.Leu955Pro). The leucine residue is highly conserved and there is a moderate physicochemical difference between leucine and proline.